The following is an entry in ClinVar:

ClinVar aggregate classification (germline): Likely benign. Review status: criteria provided, multiple submitters, no conflicts (2 of 4 stars). 3 submissions from 3 submitters: Likely benign (3). Last evaluated 2026-08-01.

Conditions:
Inborn genetic diseases. Identifiers: MedGen C0950123, MeSH D030342.

Allele frequency attached by ClinVar (database versions not stated): 1000 Genomes Project 30x 0.00031; ESP Exome Variant Server 0.00038; TOPMed 0.00071; gnomAD exomes 0.00013 and 0.00025; 1000 Genomes Project 0.00020; ExAC 0.00023; gnomAD 0.00029 and 0.00030.
gnomAD v4.1: 253 of 1,614,084 alleles (0.016%); highest among the groups gnomAD compares: Middle Eastern, 0.13%; 1 homozygote.

Submissions (3):

CeGaT Center for Human Genetics Tuebingen
Classification: Likely benign. Last evaluated: 2026-08-01. Review status: criteria provided, single submitter. Criteria: CeGaT Center For Human Genetics Tuebingen Variant Classification Criteria Version 2. Collection method: clinical testing. Allele origin: germline. Affected: yes. Observed: 5 variant alleles.
Comment: MED23: BP4, BP7

Labcorp Genetics (formerly Invitae), Labcorp
Classification: Likely benign. Last evaluated: 2019-12-31. Review status: criteria provided, single submitter. Criteria: Invitae Variant Classification Sherloc (09022015). Collection method: clinical testing. Allele origin: germline.

Ambry Genetics
Classification: Likely benign for Inborn genetic diseases. Last evaluated: 2016-10-05. Review status: criteria provided, single submitter. Criteria: Ambry Variant Classification Scheme 2023. Collection method: clinical testing. Allele origin: germline.

NM_004830.4(MED23):c.2316C>T (p.Asn772=)

Gene: MED23 (mediator complex subunit 23; minus strand). Cytogenetic location: 6q23.2.
Variant type: single nucleotide variant.
Coding change: c.2316C>T on transcript NM_004830.4 (MANE Select); coding-DNA position 2316, C replaced by T.
Protein change: p.Asn772=; no amino-acid change (asparagine 772 retained).
Molecular consequence: synonymous variant.
Genome position (GRCh38, 1-based): chr6:131,598,666, G>A on the plus strand (C>T on the coding strand, the complement: MED23 is on the minus strand). VCF-style: chr6-131598666-G-A. GRCh37 (hg19) VCF-style: chr6-131919806-G-A.
Other names: c.2316C>T, p.Asn772= (NM_001270521.2, NM_001270522.2); c.2334C>T, p.Asn778= (NM_015979.4).
Identifiers: ClinVar variation 588345 (VCV000588345.44), dbSNP rs143671912, ClinGen allele CA3999841.